The following is an entry in ClinVar:

ClinVar aggregate classification (germline): Uncertain significance (1 of 4 stars; one submission).

Conditions:
Immunodeficiency 35 (IMD35). Also called: HIES WITH ATYPICAL MYCOBACTERIOSIS, AUTOSOMAL RECESSIVE; HYPER-IgE SYNDROME WITH ATYPICAL MYCOBACTERIOSIS, AUTOSOMAL RECESSIVE; TYK2 DEFICIENCY; Susceptibility to infection due to TYK2 deficiency. Identifiers: Orphanet 331226, MedGen C1969086, MONDO:0012682, OMIM 611521.

Allele frequency attached by ClinVar (database versions not stated): gnomAD exomes below 0.00001; TOPMed below 0.00001.

Submission:

Labcorp Genetics (formerly Invitae), Labcorp
Classification: Uncertain significance for Immunodeficiency 35. Last evaluated: 2023-02-17. Review status: criteria provided, single submitter. Criteria: Invitae Variant Classification Sherloc (09022015). Collection method: clinical testing. Allele origin: germline.
Comment: This sequence change replaces methionine, which is neutral and non-polar, with threonine, which is neutral and polar, at codon 141 of the TYK2 protein (p.Met141Thr). This variant is not present in population databases (gnomAD no frequency). This variant has not been reported in the literature in individuals affected with TYK2-related conditions. An algorithm developed to predict the effect of missense changes on protein structure and function (PolyPhen-2) suggests that this variant is likely to be tolerated. In summary, the available evidence is currently insufficient to determine the role of this variant in disease. Therefore, it has been classified as a Variant of Uncertain Significance.

NM_003331.5(TYK2):c.422T>C (p.Met141Thr)

Gene: TYK2 (tyrosine kinase 2; minus strand). Cytogenetic location: 19p13.2.
Variant type: single nucleotide variant.
Coding change: c.422T>C on transcript NM_003331.5 (MANE Select); coding-DNA position 422, T replaced by C.
Protein change: p.Met141Thr; replaces methionine 141 with threonine.
Molecular consequence: missense variant.
Genome position (GRCh38, 1-based): chr19:10,368,098, A>G on the plus strand (T>C on the coding strand, the complement: TYK2 is on the minus strand). VCF-style: chr19-10368098-A-G. GRCh37 (hg19) VCF-style: chr19-10478774-A-G.
Other names: c.422T>C, p.Met141Thr (NM_001385197.1, NM_001385198.1, NM_001385199.1 and 9 more transcripts); short protein forms M141T.
Identifiers: ClinVar variation 2832580 (VCV002832580.3), dbSNP rs2041749425, ClinGen allele CA404018904.